The following is an entry in ClinVar:

ClinVar aggregate classification (germline): Uncertain significance (1 of 4 stars; one submission).

Submission:

GeneDx
Classification: Uncertain significance. Last evaluated: 2019-06-28. Review status: criteria provided, single submitter. Criteria: GeneDx Variant Classification Process June 2021. Collection method: clinical testing. Allele origin: germline. Affected: yes.
Comment: Not observed in large population cohorts (Lek et al., 2016); In silico analysis, which includes protein predictors and evolutionary conservation, supports a deleterious effect; Has not been previously published as pathogenic or benign to our knowledge

NM_000330.4(RS1):c.562A>G (p.Asn188Asp)

Genes: CDKL5 (cyclin dependent kinase like 5; plus strand), RS1 (retinoschisin 1; minus strand). Cytogenetic location: Xp22.13.
Variant type: single nucleotide variant.
Coding change: c.562A>G on transcript NM_000330.4 (MANE Select); coding-DNA position 562, A replaced by G.
Protein change: p.Asn188Asp; replaces asparagine 188 with aspartic acid.
Molecular consequence: missense variant. On other transcripts: intron variant (2).
Genome position (GRCh38, 1-based): chrX:18,642,117, T>C on the plus strand (A>G on the coding strand, the complement: RS1 is on the minus strand). VCF-style: chrX-18642117-T-C. GRCh37 (hg19) VCF-style: chrX-18660237-T-C.
Other names: c.2714-3890T>C (NM_003159.3, NM_001037343.2); short protein forms N188D.
Identifiers: ClinVar variation 1306970 (VCV001306970.4), dbSNP rs2147189068, ClinGen allele CA412370459.